The following is an entry in ClinVar:

NM_004655.4(AXIN2):c.2073C>G (p.Pro691=)

Gene: AXIN2 (axin 2; minus strand). Cytogenetic location: 17q24.1.
Variant type: single nucleotide variant.
Coding change: c.2073C>G on transcript NM_004655.4 (MANE Select); coding-DNA position 2073, C replaced by G.
Protein change: p.Pro691=; no amino-acid change (proline 691 retained).
Molecular consequence: synonymous variant.
Genome position (GRCh38, 1-based): chr17:65,536,388, G>C on the plus strand (C>G on the coding strand, the complement: AXIN2 is on the minus strand). VCF-style: chr17-65536388-G-C. GRCh37 (hg19) VCF-style: chr17-63532506-G-C.
Other names: c.2073C>G (LRG_296t1); c.1878C>G, p.Pro626= (NM_001363813.1).
Identifiers: ClinVar variation 415242 (VCV000415242.18), dbSNP rs781738256, ClinGen allele CA8718416.
Genomic context (GRCh38, chr17:65,536,388, plus strand): 5'-TGGGGGCTTCGACACCTCAGCTAGCCTGCGACAGGCCTCCTCCAGCTGAGCCAGCGTGTT[G>C]GGTGGGGTCAGGGGAGGCATCGCAGGGTCCTGGGTGAACAGGTGGGCACGGGGGGTGGTG-3'
Protein context (NP_004646.3, residues 681-701): QDPAMPPLTP[Pro691=]NTLAQLEEAC

ClinVar aggregate classification (germline): Benign/Likely benign. Review status: criteria provided, multiple submitters, no conflicts (2 of 4 stars). 4 submissions from 4 submitters: Benign (1); Likely benign (3). Last evaluated 2026-01-20.

Conditions:
Hereditary cancer-predisposing syndrome. Also called: Tumor predisposition; Neoplastic Syndromes, Hereditary; Hereditary neoplastic syndrome; Hereditary Cancer Syndrome. Identifiers: Orphanet 140162, MedGen C0027672, MeSH D009386, MONDO:0015356.
Oligodontia-cancer predisposition syndrome. Also called: TOOTH AGENESIS-COLORECTAL CANCER SYNDROME. Identifiers: Orphanet 300576, MedGen C1837750, MONDO:0012075, OMIM 608615. Disease mechanism: loss of function.

Allele frequency attached by ClinVar (database versions not stated): gnomAD exomes below 0.00001; ExAC 0.00001; gnomAD 0.00002; TOPMed 0.00002.

Submissions (4):

Labcorp Genetics (formerly Invitae), Labcorp
Classification: Likely benign for Oligodontia-cancer predisposition syndrome. Last evaluated: 2026-01-20. Review status: criteria provided, single submitter. Criteria: Invitae Variant Classification Sherloc (09022015). Collection method: clinical testing. Allele origin: germline.

Myriad Genetics, Inc.
Classification: Benign for Oligodontia-cancer predisposition syndrome. Last evaluated: 2024-07-09. Review status: criteria provided, single submitter. Criteria: Myriad Autosomal Dominant, Autosomal Recessive and X-Linked Classification Criteria (2023). Collection method: clinical testing. Allele origin: unknown.
Comment: This variant is considered benign. This variant is a silent/synonymous amino acid change and it is not expected to impact splicing.

Sema4
Classification: Likely benign for Hereditary cancer-predisposing syndrome. Last evaluated: 2022-03-01. Review status: criteria provided, single submitter. Criteria: Sema4 Curation Guidelines. Collection method: curation. Allele origin: germline.

Ambry Genetics
Classification: Likely benign for Hereditary cancer-predisposing syndrome. Last evaluated: 2019-10-08. Review status: criteria provided, single submitter. Criteria: Ambry Variant Classification Scheme 2023. Collection method: clinical testing. Allele origin: germline.